The following is an entry in ClinVar:

ClinVar aggregate classification (germline): Pathogenic (1 of 4 stars; one submission).

Conditions:
Hereditary factor XI deficiency disease. Also called: PLASMA THROMBOPLASTIN ANTECEDENT DEFICIENCY; PTA DEFICIENCY; ROSENTHAL SYNDROME; Congenital factor XI deficiency. Identifiers: Orphanet 329, MedGen C0015523, MeSH D005173, MONDO:0012897, OMIM 612416.

Submission:

Myriad Genetics, Inc.
Classification: Pathogenic for Hereditary factor XI deficiency disease. Last evaluated: 2024-05-14. Review status: criteria provided, single submitter. Criteria: Myriad Autosomal Dominant, Autosomal Recessive and X-Linked Classification Criteria (2023). Collection method: clinical testing. Allele origin: unknown.
Comment: NM_000128.3(F11):c.737G>A(W246*) is expected to be pathogenic in the context of factor XI deficiency. This variant is predicted to lead to an abnormal or absent protein product due to the creation of a premature termination codon in F11, a gene where loss-of-function variants are known to be pathogenic. Please note: this variant was assessed in the context of healthy population screening.

NM_000128.4(F11):c.737G>A (p.Trp246Ter)

Gene: F11 (coagulation factor XI; plus strand). Cytogenetic location: 4q35.2.
Variant type: single nucleotide variant.
Coding change: c.737G>A on transcript NM_000128.4 (MANE Select); coding-DNA position 737, G replaced by A.
Protein change: p.Trp246Ter; replaces tryptophan 246 with a stop codon.
Molecular consequence: nonsense. On other transcripts: intron variant (4).
Genome position (GRCh38, 1-based): chr4:186,276,372, G>A. VCF-style: chr4-186276372-G-A. GRCh37 (hg19) VCF-style: chr4-187197526-G-A.
Other names: c.737G>A, p.Trp246Ter (NM_001440590.1, NM_001440593.1, NM_001440596.1); c.485+2097G>A (NM_001440605.1, NM_001440607.1, NM_001440606.1 and 1 more transcripts); short protein forms W246*.
Identifiers: ClinVar variation 5011191 (VCV005011191.1).